The following is an entry in ClinVar:

ClinVar aggregate classification (germline): Pathogenic (1 of 4 stars; one submission).

Submission:

Labcorp Genetics (formerly Invitae), Labcorp
Classification: Pathogenic. Last evaluated: 2024-03-28. Review status: criteria provided, single submitter. Criteria: Invitae Variant Classification Sherloc (09022015). Collection method: clinical testing. Allele origin: germline.
Comment: This sequence change inserts a large fragment of DNA, likely a transposable element, in exon 7 of the TSFM gene (c.660_661ins?), causing a frameshift at codon 220 (p.Leu220fs). The exact size and sequence of the insertion cannot be determined by the current assay. However, the insertion is expected to result in an absent or disrupted protein product. This variant is not present in population databases (gnomAD no frequency). This variant has not been reported in the literature in individuals affected with TSFM-related conditions. ClinVar contains an entry for this variant (Variation ID: 1453442). This variant disrupts a region of the TSFM protein in which other variant(s) (p.Gln324Argfs*11) have been determined to be pathogenic (Invitae). This suggests that this is a clinically significant region of the protein, and that variants that disrupt it are likely to be disease-causing. Retrotransposon insertions including LINE1 (L1), Alu, and SVA (SINE-VNTR-Alu) have been reported to disrupt protein function (PMID: 19763152, 20307669, 22406018). However the effect of this particular variant is unknown. For these reasons, this variant has been classified as Pathogenic.

Literature cited by the submitters: PubMed 19763152; PubMed 20307669; PubMed 22406018.

NM_005726.6(TSFM):c.597_598insTTTTTTTTTTTTTTTTTTNNNNNNNNNNGGGAGAGGGAGAGGGAGACGGGAGAGGGAGAGGGAGACGGGAGAGGGAGAGGGAGACGGGAGAGGGAGAGGGAGACGGGAGAGGGAGTGGGAGACGGGGAAAACATGATTCTT (p.Leu199_Lys200insPhePhePhePhePhePheXaaXaaXaaXaaGluArgGluArgGluThrGlyGluGlyGluGlyAspGlyArgGlyArgGlyArgArgGluArgGluArgGluThrGlyGluGlyValGlyAspGlyGluAsnMetIleLeu)

Gene: TSFM (Ts translation elongation factor, mitochondrial; plus strand). Cytogenetic location: 12q14.1.
Variant type: Insertion.
Coding change: c.597_598insTTTTTTTTTTTTTTTTTTNNNNNNNNNNGGGAGAGGGAGAGGGAGACGGGAGAGGGAGAGGGAGACGGGAGAGGGAGAGGGAGACGGGAGAGGGAGAGGGAGACGGGAGAGGGAGTGGGAGACGGGGAAAACATGATTCTT on transcript NM_005726.6 (MANE Select); coding-DNA positions 597 to 598, TTTTTTTTTTTTTTTTTTNNNNNNNNNNGGGAGAGGGAGAGGGAGACGGGAGAGGGAGAGGGAGACGGGAGAGGGAGAGGGAGACGGGAGAGGGAGAGGGAGACGGGAGAGGGAGTGGGAGACGGGGAAAACATGATTCTT inserted.
Protein change: p.Leu199_Lys200insPhePhePhePhePhePheXaaXaaXaaXaaGluArgGluArgGluThrGlyGluGlyGluGlyAspGlyArgGlyArgGlyArgArgGluArgGluArgGluThrGlyGluGlyValGlyAspGlyGluAsnMetIleLeu.
Molecular consequence: inframe insertion. On other transcripts: no sequence alteration (1), intron variant (1).
Genome position: GRCh38: chr12:57,796,202-57,796,203. GRCh37 (hg19): chr12:58,189,985-58,189,986.
Other names: c.*5_*6insTTTTTTTTTTTTTTTTTTNNNNNNNNNNGGGAGAGGGAGAGGGAGACGGGAGAGGGAGAGGGAGACGGGAGAGGGAGAGGGAGACGGGAGAGGGAGAGGGAGACGGGAGAGGGAGTGGGAGACGGGGAAAACATGATTCTT, p.Glu165_Ter168= (NM_001172695.2); c.660_661insTTTTTTTTTTTTTTTTTTNNNNNNNNNNGGGAGAGGGAGAGGGAGACGGGAGAGGGAGAGGGAGACGGGAGAGGGAGAGGGAGACGGGAGAGGGAGAGGGAGACGGGAGAGGGAGTGGGAGACGGGGAAAACATGATTCTT, p.Leu220_Lys221insPhePhePhePhePhePheXaaXaaXaaXaaGluArgGluArgGluThrGlyGluGlyGluGlyAspGlyArgGlyArgGlyArgArgGluArgGluArgGluThrGlyGluGlyValGlyAspGlyGluAsnMetIleLeu (NM_001172696.2); c.571+3129_571+3130insTTTTTTTTTTTTTTTTTTNNNNNNNNNNGGGAGAGGGAGAGGGAGACGGGAGAGGGAGAGGGAGACGGGAGAGGGAGAGGGAGACGGGAGAGGGAGAGGGAGACGGGAGAGGGAGTGGGAGACGGGGAAAACATGATTCTT (NM_001172697.2).
Identifiers: ClinVar variation 1453442 (VCV001453442.8), dbSNP rs2140428750.